The following is an entry in ClinVar:

NC_012920.1(MT-CO1):m.6307A>G

Gene: MT-CO1 (mitochondrially encoded cytochrome c oxidase I; plus strand).
Variant type: single nucleotide variant.
Genome position: chrM-6307-A-G.
Identifiers: ClinVar variation 692638 (VCV000692638.1), dbSNP rs1603220406, ClinGen allele CA414783119.

ClinVar aggregate classification (germline): Uncertain significance (1 of 4 stars; one submission).

Conditions:
Leigh syndrome (NULS). Also called: Leigh's necrotizing encephalopathy; Leigh's disease; Leigh Syndrome (mtDNA deletion); Leigh Disease; Subacute necrotizing encephalopathy; Necrotizing encephalopathy infantile subacute of Leigh. Identifiers: Orphanet 506, MedGen C2931891, MONDO:0009723, OMIM 256000.

Submission:

Wong Mito Lab, Molecular and Human Genetics, Baylor College of Medicine
Classification: Uncertain significance for Leigh syndrome. Last evaluated: 2019-10-17. Review status: criteria provided, single submitter. Criteria: Modified ACMG Guidelines (Unpublished). Collection method: clinical testing. Allele origin: germline.
Comment: The NC_012920.1:m.6307A>G (YP_003024028.1:p.Asn135Ser) variant in MTCO1 gene is interpretated to be a Uncertain Significance variant based on the modified ACMG guidelines (unpublished). This variant meets the following evidence codes: no criteria